The following is an entry in ClinVar:

NM_004366.6(CLCN2):c.1715G>T (p.Arg572Leu)

Gene: CLCN2 (chloride voltage-gated channel 2; minus strand). Cytogenetic location: 3q27.1.
Variant type: single nucleotide variant.
Coding change: c.1715G>T on transcript NM_004366.6 (MANE Select); coding-DNA position 1715, G replaced by T.
Protein change: p.Arg572Leu; replaces arginine 572 with leucine.
Molecular consequence: missense variant.
Genome position (GRCh38, 1-based): chr3:184,354,107, C>A on the plus strand (G>T on the coding strand, the complement: CLCN2 is on the minus strand). VCF-style: chr3-184354107-C-A. GRCh37 (hg19) VCF-style: chr3-184071895-C-A.
Other names: c.1664G>T, p.Arg555Leu (NM_001171087.3); c.1583G>T, p.Arg528Leu (NM_001171088.3); c.1715G>T, p.Arg572Leu (NM_001171089.3); short protein forms R555L, R528L, R572L.
Identifiers: ClinVar variation 2010519 (VCV002010519.4), dbSNP rs1303886490, ClinGen allele CA355449425.

ClinVar aggregate classification (germline): Uncertain significance (1 of 4 stars; one submission).

gnomAD v4.1: 4 of 1,611,770 alleles (0.00025%); highest among the groups gnomAD compares: Middle Eastern, 0.017%; no homozygotes.

Submission:

Labcorp Genetics (formerly Invitae), Labcorp
Classification: Uncertain significance. Last evaluated: 2022-06-25. Review status: criteria provided, single submitter. Criteria: Invitae Variant Classification Sherloc (09022015). Collection method: clinical testing. Allele origin: germline.
Comment: This sequence change replaces arginine, which is basic and polar, with leucine, which is neutral and non-polar, at codon 572 of the CLCN2 protein (p.Arg572Leu). In summary, the available evidence is currently insufficient to determine the role of this variant in disease. Therefore, it has been classified as a Variant of Uncertain Significance. Advanced modeling of protein sequence and biophysical properties (such as structural, functional, and spatial information, amino acid conservation, physicochemical variation, residue mobility, and thermodynamic stability) performed at Invitae indicates that this missense variant is not expected to disrupt CLCN2 protein function. This variant has not been reported in the literature in individuals affected with CLCN2-related conditions. This variant is not present in population databases (gnomAD no frequency).